The following is an entry in ClinVar:

ClinVar aggregate classification (germline): Uncertain significance (1 of 4 stars; one submission).

Conditions:
Hereditary cancer-predisposing syndrome. Also called: Tumor predisposition; Hereditary Cancer Syndrome; Hereditary neoplastic syndrome; Neoplastic Syndromes, Hereditary. Identifiers: Orphanet 140162, MedGen C0027672, MeSH D009386, MONDO:0015356.

Submission:

Ambry Genetics
Classification: Uncertain significance for Hereditary cancer-predisposing syndrome. Last evaluated: 2023-07-12. Review status: criteria provided, single submitter. Criteria: Ambry Variant Classification Scheme 2023. Collection method: clinical testing. Allele origin: germline.
Comment: The p.L10F variant (also known as c.30A>T), located in coding exon 1 of the BMPR1A gene, results from an A to T substitution at nucleotide position 30. The leucine at codon 10 is replaced by phenylalanine, an amino acid with highly similar properties. This amino acid position is conserved. In addition, this alteration is predicted to be tolerated by in silico analysis. Since supporting evidence is limited at this time, the clinical significance of this alteration remains unclear.

NM_004329.3(BMPR1A):c.30A>T (p.Leu10Phe)

Gene: BMPR1A (bone morphogenetic protein receptor type 1A; plus strand). Cytogenetic location: 10q23.2.
Variant type: single nucleotide variant.
Coding change: c.30A>T on transcript NM_004329.3 (MANE Select); coding-DNA position 30, A replaced by T.
Protein change: p.Leu10Phe; replaces leucine 10 with phenylalanine.
Molecular consequence: missense variant. On other transcripts: 5 prime UTR variant (1), non-coding transcript variant (3), intron variant (4).
Genome position (GRCh38, 1-based): chr10:86,876,048, A>T. VCF-style: chr10-86876048-A-T. GRCh37 (hg19) VCF-style: chr10-88635805-A-T.
Other names: c.30A>T, p.Leu10Phe (NM_001406559.1, NM_001406560.1, NM_001406561.1 and 23 more transcripts); c.-50A>T (NM_001406588.1); c.-17-14014A>T (NM_001406584.1, NM_001406587.1, NM_001406585.1); c.-12-14019A>T (NM_001406586.1); short protein forms L10F.
Identifiers: ClinVar variation 2626631 (VCV002626631.2), dbSNP rs754752449, ClinGen allele CA377774801.